The following is an entry in ClinVar:

ClinVar aggregate classification (germline): Uncertain significance (1 of 4 stars; one submission).

Submission:

Labcorp Genetics (formerly Invitae), Labcorp
Classification: Uncertain significance. Last evaluated: 2023-03-24. Review status: criteria provided, single submitter. Criteria: Invitae Variant Classification Sherloc (09022015). Collection method: clinical testing. Allele origin: germline.
Comment: This sequence change replaces asparagine, which is neutral and polar, with lysine, which is basic and polar, at codon 825 of the AMER1 protein (p.Asn825Lys). This variant is not present in population databases (gnomAD no frequency). This variant has not been reported in the literature in individuals affected with AMER1-related conditions. An algorithm developed to predict the effect of missense changes on protein structure and function (PolyPhen-2) suggests that this variant is likely to be tolerated. In summary, the available evidence is currently insufficient to determine the role of this variant in disease. Therefore, it has been classified as a Variant of Uncertain Significance.

NM_152424.4(AMER1):c.2475T>A (p.Asn825Lys)

Gene: AMER1 (APC membrane recruitment protein 1; minus strand). Cytogenetic location: Xq11.2.
Variant type: single nucleotide variant.
Coding change: c.2475T>A on transcript NM_152424.4 (MANE Select); coding-DNA position 2475, T replaced by A.
Protein change: p.Asn825Lys; replaces asparagine 825 with lysine.
Molecular consequence: missense variant.
Genome position (GRCh38, 1-based): chrX:64,190,812, A>T on the plus strand (T>A on the coding strand, the complement: AMER1 is on the minus strand). VCF-style: chrX-64190812-A-T. GRCh37 (hg19) VCF-style: chrX-63410692-A-T.
Other names: short protein forms N825K.
Identifiers: ClinVar variation 2849131 (VCV002849131.3), dbSNP rs2147085997, ClinGen allele CA413303150.